The following is an entry in ClinVar:

ClinVar aggregate classification (germline): Uncertain significance (1 of 4 stars; one submission).

Submission:

Labcorp Genetics (formerly Invitae), Labcorp
Classification: Uncertain significance. Last evaluated: 2022-07-15. Review status: criteria provided, single submitter. Criteria: Invitae Variant Classification Sherloc (09022015). Collection method: clinical testing. Allele origin: germline.
Comment: This sequence change creates a premature translational stop signal (p.Asp619Metfs*21) in the LRIT3 gene. While this is not anticipated to result in nonsense mediated decay, it is expected to disrupt the last 61 amino acid(s) of the LRIT3 protein. This variant is not present in population databases (gnomAD no frequency). In summary, the available evidence is currently insufficient to determine the role of this variant in disease. Therefore, it has been classified as a Variant of Uncertain Significance. Experimental studies and prediction algorithms are not available or were not evaluated, and the functional significance of this variant is currently unknown. This variant has not been reported in the literature in individuals affected with LRIT3-related conditions.

NM_198506.5(LRIT3):c.1855del (p.Asp619fs)

Gene: LRIT3 (leucine rich repeat, Ig-like and transmembrane domains 3; plus strand). Cytogenetic location: 4q25.
Variant type: Deletion.
Coding change: c.1855del on transcript NM_198506.5 (MANE Select); coding-DNA position 1855, one base deleted (G; older notation c.1855delG).
Protein change: p.Asp619fs; shifts the reading frame from aspartic acid 619.
Molecular consequence: frameshift variant.
Genome position (GRCh38, 1-based): chr4:109,870,604, G deleted. VCF-style (leftmost placement, unchanged base first): chr4-109870603-AG-A. GRCh37 (hg19) VCF-style: chr4-110791759-AG-A.
Other names: short protein forms D619fs.
Identifiers: ClinVar variation 2017404 (VCV002017404.4), dbSNP rs2545590463, ClinGen allele CA2580071494.